The following is an entry in ClinVar:

ClinVar aggregate classification (germline): Uncertain significance. Review status: criteria provided, multiple submitters, no conflicts (2 of 4 stars). 5 submissions from 5 submitters: Uncertain significance (5). Last evaluated 2024-08-22.

Conditions:
Inborn genetic diseases. Identifiers: MedGen C0950123, MeSH D030342.
Peroxisome biogenesis disorder 9B. Also called: PEX7-Related Refsum Disease; PEROXISOME BIOGENESIS DISORDER, PEX7-RELATED, ATYPICAL; Refsum disease, adult, 2. Identifiers: Orphanet 773, MedGen C2749346, MONDO:0013945, OMIM 614879.
Rhizomelic chondrodysplasia punctata type 1 (RCDP1). Also called: CHONDRODYSTROPHIA CALCIFICANS PUNCTATA; PEROXISOME BIOGENESIS DISORDER 9; PEX7-Related Rhizomelic Chondrodysplasia Punctata. Identifiers: Orphanet 177, Orphanet 309789, MedGen C1859133, MONDO:0008972, OMIM 215100. Disease mechanism: loss of function.
Refsum disease, classic. Also called: PHYH-Related Refsum Disease; HEREDOPATHIA ATACTICA POLYNEURITIFORMIS; HMSN IV; PHYTANIC ACID OXIDASE DEFICIENCY. Identifiers: Orphanet 773, MedGen C5780941, MONDO:1060256, OMIM 266500. Disease mechanism: loss of function.

Allele frequency attached by ClinVar (database versions not stated): ESP Exome Variant Server 0.00008; gnomAD 0.00003; ExAC 0.00004.
gnomAD v4.1: 197 of 1,613,832 alleles (0.012%); highest among the groups gnomAD compares: Non-Finnish European, 0.016%; no homozygotes.

Submissions (5):

Blueprint Genetics
Classification: Uncertain significance. Last evaluated: 2024-08-22. Review status: criteria provided, single submitter. Criteria: ACMG Guidelines, 2015. Collection method: clinical testing. Allele origin: germline.

Mayo Clinic Laboratories, Mayo Clinic
Classification: Uncertain significance. Last evaluated: 2024-04-02. Review status: criteria provided, single submitter. Criteria: ACMG Guidelines, 2015. Collection method: clinical testing. Allele origin: germline. Observed: 1 variant allele.
Comment: PM2

Labcorp Genetics (formerly Invitae), Labcorp
Classification: Uncertain significance for Peroxisome biogenesis disorder 9B. Last evaluated: 2022-10-18. Review status: criteria provided, single submitter. Criteria: Invitae Variant Classification Sherloc (09022015). Collection method: clinical testing. Allele origin: germline.
Comment: This sequence change replaces glutamine, which is neutral and polar, with lysine, which is basic and polar, at codon 105 of the PEX7 protein (p.Gln105Lys). This variant is present in population databases (rs372623057, gnomAD 0.008%). This variant has not been reported in the literature in individuals affected with PEX7-related conditions. Algorithms developed to predict the effect of missense changes on protein structure and function (SIFT, PolyPhen-2, Align-GVGD) all suggest that this variant is likely to be tolerated. In summary, the available evidence is currently insufficient to determine the role of this variant in disease. Therefore, it has been classified as a Variant of Uncertain Significance.

Ambry Genetics
Classification: Uncertain significance for Inborn genetic diseases. Last evaluated: 2022-10-12. Review status: criteria provided, single submitter. Criteria: Ambry Variant Classification Scheme 2023. Collection method: clinical testing. Allele origin: germline.

Department of Pathology and Laboratory Medicine, Sinai Health System
Classification: Uncertain significance for Rhizomelic chondrodysplasia punctata type 1; Refsum disease, classic; Peroxisome biogenesis disorder 9B. Last evaluated: 2022-03-30. Review status: criteria provided, single submitter. Criteria: ACMG Guidelines, 2015. Collection method: research. Allele origin: germline.

NM_000288.4(PEX7):c.313C>A (p.Gln105Lys)

Gene: PEX7 (peroxisomal biogenesis factor 7; plus strand). Cytogenetic location: 6q23.3.
Variant type: single nucleotide variant.
Coding change: c.313C>A on transcript NM_000288.4 (MANE Select); coding-DNA position 313, C replaced by A.
Protein change: p.Gln105Lys; replaces glutamine 105 with lysine.
Molecular consequence: missense variant.
Genome position (GRCh38, 1-based): chr6:136,826,443, C>A. VCF-style: chr6-136826443-C-A. GRCh37 (hg19) VCF-style: chr6-137147581-C-A.
Other names: p.Gln105Lys; c.313C>A (NM_000288.3); c.199C>A, p.Gln67Lys (NM_001410945.1); short protein forms Q105K, Q67K.
Identifiers: ClinVar variation 2201504 (VCV002201504.5), dbSNP rs372623057, ClinGen allele CA4017548.
Genomic context (GRCh38, chr6:136,826,443, plus strand): 5'-ACCTGTAGTGGCGATGGCTCGCTGCAGCTCTGGGACACTGCCAAAGCTGCAGGGCCACTG[C>A]AAGTCTATAAAGAACACGCTCAGGAGGTAGGAGGGAAATCTTTCTGGGCTGATTATTTTT-3'
Protein context (NP_000279.1, residues 95-115): WDTAKAAGPL[Gln105Lys]VYKEHAQEVY